The following is an entry in ClinVar:

NM_012434.5(SLC17A5):c.667dup (p.Tyr223fs)

Gene: SLC17A5 (solute carrier family 17 member 5; minus strand). Cytogenetic location: 6q13.
Variant type: Duplication.
Coding change: c.667dup on transcript NM_012434.5 (MANE Select); coding-DNA position 667, one base duplicated (T; older notation c.667dupT).
Protein change: p.Tyr223fs; shifts the reading frame from tyrosine 223.
Molecular consequence: frameshift variant.
Genome position (GRCh38, 1-based): chr6:73,636,654, A duplicated on the plus strand (T on the coding strand, the reverse complement: SLC17A5 is on the minus strand). VCF-style (leftmost placement, unchanged base first): chr6-73636653-T-TA. GRCh37 (hg19) VCF-style: chr6-74346376-T-TA.
Other names: c.667dupT (NM_012434.4); short protein forms Y223fs.
Identifiers: ClinVar variation 558121 (VCV000558121.10), dbSNP rs1472109408, ClinGen allele CA567686240.

ClinVar aggregate classification (germline): Pathogenic/Likely pathogenic. Review status: criteria provided, multiple submitters, no conflicts (2 of 4 stars). 5 submissions from 5 submitters: Pathogenic (1); Likely pathogenic (3). 1 of the submissions does not count toward it. Last evaluated 2025-10-14.

Conditions:
Salla disease (SD). Also called: Sialuria, Finnish type; N-acetylneuraminic acid (NANA) storage disease (NSD); Infantile sialic acid storage disorder (ISSD); Less Severe FSASD (Salla Disease). Identifiers: Orphanet 309334, Orphanet 834, MedGen C1096903, MONDO:0011449, OMIM 604369.
Sialic acid storage disease, severe infantile type (ISSD). Also called: N-ACETYLNEURAMINIC ACID STORAGE DISEASE; NANA STORAGE DISEASE; Infantile Sialic Acid Storage Disease; SIALURIA, INFANTILE FORM; Free sialic acid storage disease, infantile form; INFANTILE SIALIC ACID STORAGE DISORDER. Identifiers: Orphanet 309324, Orphanet 834, MedGen C1096902, MONDO:0010027, OMIM 269920.

Allele frequency attached by ClinVar (database versions not stated): gnomAD exomes below 0.00001 and 0.00001; TOPMed 0.00001.

Submissions (5):

Labcorp Genetics (formerly Invitae), Labcorp
Classification: Pathogenic for Salla disease. Last evaluated: 2025-10-14. Review status: criteria provided, single submitter. Criteria: Invitae Variant Classification Sherloc (09022015). Collection method: clinical testing. Allele origin: germline.
Comment: This sequence change creates a premature translational stop signal (p.Tyr223Leufs*27) in the SLC17A5 gene. It is expected to result in an absent or disrupted protein product. Loss-of-function variants in SLC17A5 are known to be pathogenic (PMID: 10581036, 10947946, 15172001). This variant is present in population databases (no rsID available, gnomAD 0.006%). This variant has not been reported in the literature in individuals affected with SLC17A5-related conditions. ClinVar contains an entry for this variant (Variation ID: 558121). For these reasons, this variant has been classified as Pathogenic.

Natera, Inc.
Classification: Likely pathogenic for Salla disease. Last evaluated: 2024-10-25. Review status: criteria provided, single submitter. Criteria: Natera Variant Classification Schema (03/2026). Collection method: clinical testing. Allele origin: germline.
Comment: The c.667dupT variant in SLC17A5 is a frameshift variant predicted to shift the reading frame beginning at codon 223 and leads to a stop codon 27 codons downstream. This variant is expected to result in nonsense mediated decay, truncation, or a dysfunctional protein product. This variant is rare in the general population with a frequency below the threshold expected for the associated phenotype(s). Given the available evidence, this variant is classified as Likely Pathogenic.

Fulgent Genetics
Classification: Likely pathogenic for Sialic acid storage disease, severe infantile type; Salla disease. Last evaluated: 2024-01-22. Review status: criteria provided, single submitter. Criteria: ACMG Guidelines, 2015. Collection method: clinical testing. Allele origin: germline.

Baylor Genetics
Classification: Likely pathogenic for Salla disease. Last evaluated: 2023-08-17. Review status: criteria provided, single submitter. Criteria: ACMG Guidelines, 2015. Collection method: clinical testing. Allele origin: unknown.

Counsyl
Classification: Likely pathogenic for Salla disease. Last evaluated: 2018-04-27. Review status: no assertion criteria provided. Collection method: clinical testing. Allele origin: unknown. Not counted in ClinVar's aggregate classification.

Literature cited by the submitters: PubMed 10581036 (cited by Labcorp Genetics (formerly Invitae), Labcorp); PubMed 10947946 (cited by Labcorp Genetics (formerly Invitae), Labcorp); PubMed 15172001 (cited by Labcorp Genetics (formerly Invitae), Labcorp).